The following is an entry in ClinVar:

ClinVar aggregate classification (germline): Uncertain significance (1 of 4 stars; one submission).

Conditions:
Hypogonadotropic hypogonadism 1 with or without anosmia (HH1). Also called: Kallmann syndrome, type 1, X-linked; DYSPLASIA OLFACTOGENITALIS OF DE MORSIER; HYPOGONADOTROPIC HYPOGONADISM 1 WITH ANOSMIA; HYPOGONADOTROPIC HYPOGONADISM AND ANOSMIA; KAL1-Related GnRH Deficiency (Kallmann Syndrome 1; Kallmann Syndrome, X-Linked); Hypogonadotropic hypogonadism 1 with or without anosmia (Kallmann syndrome 1). Identifiers: Orphanet 478, MedGen C1563719, MONDO:0010635, OMIM 308700. Disease mechanism: loss of function.

Submission:

Labcorp Genetics (formerly Invitae), Labcorp
Classification: Uncertain significance for Hypogonadotropic hypogonadism 1 with or without anosmia. Last evaluated: 2023-04-02. Review status: criteria provided, single submitter. Criteria: Invitae Variant Classification Sherloc (09022015). Collection method: clinical testing. Allele origin: unknown.
Comment: In summary, the available evidence is currently insufficient to determine the role of this variant in disease. Therefore, it has been classified as a Variant of Uncertain Significance. Experimental studies and prediction algorithms are not available or were not evaluated, and the functional significance of this variant is currently unknown. This variant has not been reported in the literature in individuals affected with ANOS1-related conditions. This variant results in a copy number gain of the genomic region encompassing exon(s) 9-14 of the ANOS1 gene. This region includes the termination codon of the gene. This copy number gain extends beyond the assayed region for this gene and therefore may encompass additional genes. As the precise location of this event is unknown, it may be in tandem or it may be located elsewhere in the genome.

NC_000023.10:g.(?_8501036)_(8522159_?)dup

Gene: ANOS1 (anosmin 1; minus strand). Cytogenetic location: Xp22.31.
Variant type: Duplication.
Identifiers: ClinVar variation 3244194 (VCV003244194.1).